The following is an entry in ClinVar:

ClinVar aggregate classification (germline): Conflicting classifications of pathogenicity. Review status: criteria provided, conflicting classifications (1 of 4 stars). 6 submissions from 6 submitters: Uncertain significance (3); Likely benign (3). Last evaluated 2026-04-15.

Conditions:
Cardiovascular phenotype. Identifiers: MedGen CN230736.
ZNF469-related disorder. Also called: ZNF469-related condition.

Allele frequency attached by ClinVar (database versions not stated): gnomAD 0.00008 and 0.00010; gnomAD exomes 0.00009; TOPMed 0.00013; 1000 Genomes Project 30x 0.00016; 1000 Genomes Project 0.00020.
gnomAD v4.1: 78 of 1,527,404 alleles (0.0051%); highest among the groups gnomAD compares: East Asian, 0.086%; no homozygotes.

Submissions (6):

Women's Health and Genetics/Laboratory Corporation of America, LabCorp
Classification: Uncertain significance. Last evaluated: 2026-04-15. Review status: criteria provided, single submitter. Criteria: LabCorp Variant Classification Summary - May 2015. Collection method: clinical testing. Allele origin: germline.

PreventionGenetics, part of Exact Sciences
Classification: Uncertain significance for ZNF469-related condition. Last evaluated: 2026-03-05. Review status: criteria provided, single submitter. Criteria: ACMG Guidelines, 2015. Collection method: clinical testing. Allele origin: germline.
Comment: The ZNF469 c.26C>T variant is predicted to result in the amino acid substitution p.Ala9Val. To our knowledge, this variant has not been reported in the literature. This variant is reported in 0.10% of alleles in individuals of East Asian descent in gnomAD. Although we suspect that this variant may be benign, at this time, the clinical significance of this variant is uncertain due to the absence of conclusive functional and genetic evidence.

Mayo Clinic Laboratories, Mayo Clinic
Classification: Likely benign. Last evaluated: 2025-03-04. Review status: criteria provided, single submitter. Criteria: ACMG Guidelines, 2015. Collection method: clinical testing. Allele origin: germline. Observed: 2 variant alleles.
Comment: BS1, BP4_moderate

Labcorp Genetics (formerly Invitae), Labcorp
Classification: Uncertain significance. Last evaluated: 2024-10-22. Review status: criteria provided, single submitter. Criteria: Invitae Variant Classification Sherloc (09022015). Collection method: clinical testing. Allele origin: germline.
Comment: This sequence change replaces alanine, which is neutral and non-polar, with valine, which is neutral and non-polar, at codon 9 of the ZNF469 protein (p.Ala9Val). This variant is present in population databases (rs569870332, gnomAD 0.1%). This variant has not been reported in the literature in individuals affected with ZNF469-related conditions. ClinVar contains an entry for this variant (Variation ID: 1191146). An algorithm developed to predict the effect of missense changes on protein structure and function outputs the following: PolyPhen-2: "Benign". The valine amino acid residue is found in multiple mammalian species, which suggests that this missense change does not adversely affect protein function. In summary, the available evidence is currently insufficient to determine the role of this variant in disease. Therefore, it has been classified as a Variant of Uncertain Significance.

Ambry Genetics
Classification: Likely benign for Cardiovascular phenotype. Last evaluated: 2024-02-28. Review status: criteria provided, single submitter. Criteria: Ambry Variant Classification Scheme 2023. Collection method: clinical testing. Allele origin: germline.

GeneDx
Classification: Likely benign. Last evaluated: 2021-04-09. Review status: criteria provided, single submitter. Criteria: GeneDx Variant Classification Process June 2021. Collection method: clinical testing. Allele origin: germline. Affected: yes.

NM_001367624.2(ZNF469):c.26C>T (p.Ala9Val)

Gene: ZNF469 (zinc finger protein 469; plus strand). Cytogenetic location: 16q24.2.
Variant type: single nucleotide variant.
Coding change: c.26C>T on transcript NM_001367624.2 (MANE Select); coding-DNA position 26, C replaced by T.
Protein change: p.Ala9Val; replaces alanine 9 with valine.
Molecular consequence: missense variant.
Genome position (GRCh38, 1-based): chr16:88,427,496, C>T. VCF-style: chr16-88427496-C-T. GRCh37 (hg19) VCF-style: chr16-88493904-C-T.
Other names: NM_001127464.1:c.26C>T; p.Ala9Val; NM_001127464.2:c.26C>T; short protein forms A9V.
Identifiers: ClinVar variation 1191146 (VCV001191146.12), dbSNP rs569870332, ClinGen allele CA286371187.